The following is an entry in ClinVar:

ClinVar aggregate classification (germline): Pathogenic/Likely pathogenic. Review status: criteria provided, multiple submitters, no conflicts (2 of 4 stars). 2 submissions from 2 submitters: Pathogenic (1); Likely pathogenic (1). Last evaluated 2021-10-02.

Conditions:
Intellectual developmental disorder, autosomal dominant 56. Also called: MENTAL RETARDATION, AUTOSOMAL DOMINANT 56; Intellectual disability, autosomal dominant 56. Identifiers: MedGen C4693389, MONDO:0030922, OMIM 617854.
Intellectual disability. Also called: Intellectual developmental disorder; intellectual disabilities; Intellectual functioning disability. Identifiers: MedGen C3714756, MeSH D008607, MONDO:0001071, HP:0001249.

Submissions (2):

3billion
Classification: Likely pathogenic for Intellectual developmental disorder, autosomal dominant 56. Last evaluated: 2021-10-02. Review status: criteria provided, single submitter. Criteria: ACMG Guidelines, 2015. Collection method: clinical testing. Allele origin: unknown. Affected: yes. Observed: 1 heterozygote.
Comment: Stop-gained (nonsense): predicted to result in a loss or disruption of normal protein function through nonsense-mediated decay (NMD) or protein truncation. Multiple pathogenic variants are reported downstream of the variant (PVS1_VS). It is not observed in the gnomAD v2.1.1 dataset (PM2). Therefore, this variant is classified as likely pathogenic according to the recommendation of ACMG/AMP guideline.

Cambridge Genomics Laboratory, East Genomic Laboratory Hub, NHS Genomic Medicine Service
Classification: Pathogenic for Intellectual disability. Last evaluated: 2020-04-29. Review status: criteria provided, single submitter. Criteria: ACGS Best Practice Guidelines for Variant Classification in Rare Disease 2020. Collection method: clinical testing. Allele origin: germline. Affected: yes. Observed: 1 variant allele.

NM_004859.4(CLTC):c.4722C>G (p.Tyr1574Ter)

Gene: CLTC (clathrin heavy chain; plus strand). Cytogenetic location: 17q23.1.
Variant type: single nucleotide variant.
Coding change: c.4722C>G on transcript NM_004859.4 (MANE Select); coding-DNA position 4722, C replaced by G.
Protein change: p.Tyr1574Ter; replaces tyrosine 1574 with a stop codon.
Molecular consequence: nonsense.
Genome position (GRCh38, 1-based): chr17:59,685,703, C>G. VCF-style: chr17-59685703-C-G. GRCh37 (hg19) VCF-style: chr17-57763064-C-G.
Other names: c.4734C>G, p.Tyr1578Ter (NM_001288653.2); short protein forms Y1574*, Y1578*.
Identifiers: ClinVar variation 1320245 (VCV001320245.2), dbSNP rs367867382, ClinGen allele CA400422879.